The following is an entry in ClinVar:

ClinVar aggregate classification (germline): Conflicting classifications of pathogenicity. Review status: criteria provided, conflicting classifications (1 of 4 stars). 5 submissions from 5 submitters: Uncertain significance (4); Likely benign (1). Last evaluated 2025-11-15.

Conditions:
Familial hypobetalipoproteinemia 1. Also called: APOB-Related Familial Hypobetalipoproteinemia; Hypobetalipoproteinemia, normotriglyceridemic; Acanthocytosis with hypobetalipoproteinemia. Identifiers: MedGen C4551990, MONDO:0014252, OMIM 615558.
Hypercholesterolemia, autosomal dominant, type B (FHCL2). Also called: Hyperlipoproteinemia Type IIb; Familial hypercholesterolemia 2; Familial Hypercholesterolemia Type B; APOLIPOPROTEIN B-100, FAMILIAL DEFECTIVE; APOLIPOPROTEIN B-100, FAMILIAL LIGAND-DEFECTIVE; HYPERCHOLESTEROLEMIA, FAMILIAL, DUE TO LIGAND-DEFECTIVE APOLIPOPROTEIN B. Identifiers: MedGen C1704417, MONDO:0007751, OMIM 144010.
Cardiovascular phenotype. Identifiers: MedGen CN230736.

Allele frequency attached by ClinVar (database versions not stated): ExAC 0.00002; gnomAD exomes 0.00003; gnomAD 0.00004; TOPMed 0.00004.
gnomAD v4.1: 49 of 1,613,120 alleles (0.003%); highest among the groups gnomAD compares: Non-Finnish European, 0.0041%; no homozygotes.

Submissions (5):

Ambry Genetics
Classification: Uncertain significance for Cardiovascular phenotype. Last evaluated: 2025-11-15. Review status: criteria provided, single submitter. Criteria: Ambry Variant Classification Scheme 2023. Collection method: clinical testing. Allele origin: germline.
Comment: The p.L2844Q variant (also known as c.8531T>A), located in coding exon 26 of the APOB gene, results from a T to A substitution at nucleotide position 8531. The leucine at codon 2844 is replaced by glutamine, an amino acid with dissimilar properties. This amino acid position is not well conserved in available vertebrate species, and glutamine is the reference amino acid in other vertebrate species. In addition, this alteration is predicted to be tolerated by in silico analysis. Since supporting evidence is limited at this time, the clinical significance of this alteration remains unclear.

ARUP Laboratories, Molecular Genetics and Genomics, ARUP Laboratories
Classification: Uncertain significance. Last evaluated: 2024-05-08. Review status: criteria provided, single submitter. Criteria: ARUP Molecular Germline Variant Investigation Process 2024. Collection method: clinical testing. Allele origin: germline.
Comment: The APOB c.8531T>A; p.Leu2844Gln variant (rs776056927, ClinVar ID: 1763770) is reported in the literature in an individual with hypercholesterolemia (Schwaninger 2023). This variant is found in the non-Finnish European population with an allele frequency of 0.007% (9/128,938 alleles) in the Genome Aggregation Database (v2.1.1). Computational analyses predict that this variant is neutral (REVEL: 0.099). Due to limited information, the clinical significance of this variant is uncertain at this time. References: Schwaninger G et al. Filling the gap: Genetic risk assessment in hypercholesterolemia using LDL-C and LPA genetic scores. Clin Genet. 2023 Sep;104(3):334-343. PMID: 37417318.

Labcorp Genetics (formerly Invitae), Labcorp
Classification: Likely benign for Familial hypobetalipoproteinemia 1; Hypercholesterolemia, autosomal dominant, type B. Last evaluated: 2024-03-16. Review status: criteria provided, single submitter. Criteria: Invitae Variant Classification Sherloc (09022015). Collection method: clinical testing. Allele origin: germline.

Quest Diagnostics Nichols Institute San Juan Capistrano
Classification: Uncertain significance. Last evaluated: 2024-02-27. Review status: criteria provided, single submitter. Criteria: Quest Diagnostics criteria. Collection method: clinical testing. Allele origin: unknown.
Comment: The APOB c.8531T>A (p.Leu2844Gln) variant has been reported in the published literature in an individual with familial hypercholesterolemia (FH) (PMID: 37417318 (2023)). The frequency of this variant in the general population, 0.00007 (9/128938 chromosomes (Genome Aggregation Database)), is uninformative in the assessment of its pathogenicity. Analysis of this variant using bioinformatics tools for the prediction of the effect of amino acid changes on protein structure and function yielded predictions that this variant is benign. Based on the available information, we are unable to determine the clinical significance of this variant.

GeneDx
Classification: Uncertain significance. Last evaluated: 2023-04-10. Review status: criteria provided, single submitter. Criteria: GeneDx Variant Classification Process June 2021. Collection method: clinical testing. Allele origin: germline. Affected: yes.
Comment: In silico analysis supports that this missense variant has a deleterious effect on protein structure/function; Has not been previously published as pathogenic or benign to our knowledge

Literature cited by the submitters: PubMed 37417318 (cited by Quest Diagnostics Nichols Institute San Juan Capistrano).

NM_000384.3(APOB):c.8531T>A (p.Leu2844Gln)

Gene: APOB (apolipoprotein B; minus strand). Cytogenetic location: 2p24.1.
Variant type: single nucleotide variant.
Coding change: c.8531T>A on transcript NM_000384.3 (MANE Select); coding-DNA position 8531, T replaced by A.
Protein change: p.Leu2844Gln; replaces leucine 2844 with glutamine.
Molecular consequence: missense variant.
Genome position (GRCh38, 1-based): chr2:21,008,337, A>T on the plus strand (T>A on the coding strand, the complement: APOB is on the minus strand). VCF-style: chr2-21008337-A-T. GRCh37 (hg19) VCF-style: chr2-21231209-A-T.
Other names: short protein forms L2844Q.
Identifiers: ClinVar variation 1763770 (VCV001763770.8), dbSNP rs776056927, ClinGen allele CA065774.